The following is an entry in ClinVar:

NM_000540.3(RYR1):c.11120G>C (p.Arg3707Pro)

Gene: RYR1 (ryanodine receptor 1; plus strand). Cytogenetic location: 19q13.2.
Variant type: single nucleotide variant.
Coding change: c.11120G>C on transcript NM_000540.3 (MANE Select); coding-DNA position 11120, G replaced by C.
Protein change: p.Arg3707Pro; replaces arginine 3707 with proline.
Molecular consequence: missense variant.
Genome position (GRCh38, 1-based): chr19:38,529,036, G>C. VCF-style: chr19-38529036-G-C. GRCh37 (hg19) VCF-style: chr19-39019676-G-C.
Other names: c.11105G>C, p.Arg3702Pro (NM_001042723.2); short protein forms R3707P, R3702P.
Identifiers: ClinVar variation 1387681 (VCV001387681.8), dbSNP rs193922838, ClinGen allele CA405650389.
Genomic context (GRCh38, chr19:38,529,036, plus strand): 5'-AGGAAGAGGTGGAAGAGAAGAAGCCAGACCCCCTGCACCAGTTGGTCCTGCACTTCAGCC[G>C]CACTGCCCTGACGGAAAAGAGGTGAAGACTCTTGCCAGGGCCCCAGAAATGCCCCCAAGG-3'
Protein context (NP_000531.2, residues 3697-3717): PLHQLVLHFS[Arg3707Pro]TALTEKSKLD

ClinVar aggregate classification (germline): Uncertain significance (1 of 4 stars; one submission).

Conditions:
RYR1-related disorder. Also called: RYR1-related condition; RYR1-related disorders. Identifiers: MedGen CN239331.

Submission:

Labcorp Genetics (formerly Invitae), Labcorp
Classification: Uncertain significance for RYR1-related disorder. Last evaluated: 2021-04-14. Review status: criteria provided, single submitter. Criteria: Invitae Variant Classification Sherloc (09022015). Collection method: clinical testing. Allele origin: germline.
Comment: In summary, the available evidence is currently insufficient to determine the role of this variant in disease. Therefore, it has been classified as a Variant of Uncertain Significance. Advanced modeling of protein sequence and biophysical properties (such as structural, functional, and spatial information, amino acid conservation, physicochemical variation, residue mobility, and thermodynamic stability) performed at Invitae indicates that this missense variant is expected to disrupt RYR1 protein function. This variant has not been reported in the literature in individuals with RYR1-related conditions. This variant is not present in population databases (ExAC no frequency). This sequence change replaces arginine with proline at codon 3707 of the RYR1 protein (p.Arg3707Pro). The arginine residue is highly conserved and there is a moderate physicochemical difference between arginine and proline.